The following is an entry in ClinVar:

NM_001433705.1(NLRP5):c.618T>C (p.Ala206=)

Genes: NLRP5 (NLR family pyrin domain containing 5; plus strand), LOC126862935 (BRD4-independent group 4 enhancer GRCh37_chr19:56537936-56539135; plus strand). Cytogenetic location: 19q13.43.
Variant type: single nucleotide variant.
Coding change: c.618T>C on transcript NM_001433705.1 (MANE Select); coding-DNA position 618, T replaced by C.
Protein change: p.Ala206=; no amino-acid change (alanine 206 retained).
Molecular consequence: synonymous variant.
Genome position (GRCh38, 1-based): chr19:56,027,004, T>C. VCF-style: chr19-56027004-T-C. GRCh37 (hg19) VCF-style: chr19-56538370-T-C.
Other names: NM_153447.4:c.771T>C.
Identifiers: ClinVar variation 710282 (VCV000710282.34), dbSNP rs112918376, ClinGen allele CA9685356.
Genomic context (GRCh38, chr19:56,027,004, plus strand): 5'-TCACGTGATGACCAAATTCGCTGAGGAGGAGGATGTACGTCGTAGTTTTGAAAACACTGC[T>C]GCTGACTGGCCGGAAATGCAAACGTTGGCTGGTGCTTTTGATTCAGACCGGTGGGGCTTC-3'
Protein context (NP_001420634.1, residues 196-216): EDVRRSFENT[Ala206=]ADWPEMQTLA

ClinVar aggregate classification (germline): Benign/Likely benign. Review status: criteria provided, multiple submitters, no conflicts (2 of 4 stars). 4 submissions from 4 submitters: Benign (2); Likely benign (2). Last evaluated 2024-11-26.

Allele frequency attached by ClinVar (database versions not stated): 1000 Genomes Project 0.00140; 1000 Genomes Project 30x 0.00219; TOPMed 0.00233; gnomAD 0.00238 and 0.00252; ESP Exome Variant Server 0.00260; gnomAD exomes 0.00291 and 0.00442; ExAC 0.00355.
gnomAD v4.1: 6,618 of 1,551,872 alleles (0.43%); highest among the groups gnomAD compares: South Asian, 0.5%; 28 homozygotes.

Submissions (4):

Blueprint Genetics
Classification: Likely benign. Last evaluated: 2024-11-26. Review status: criteria provided, single submitter. Criteria: ACMG Guidelines, 2015. Collection method: clinical testing. Allele origin: germline.

CeGaT Center for Human Genetics Tuebingen
Classification: Likely benign. Last evaluated: 2024-01-01. Review status: criteria provided, single submitter. Criteria: CeGaT Center For Human Genetics Tuebingen Variant Classification Criteria Version 2. Collection method: clinical testing. Allele origin: germline. Affected: yes. Observed: 2 variant alleles.
Comment: NLRP5: BP4, BP7

Labcorp Genetics (formerly Invitae), Labcorp
Classification: Benign. Last evaluated: 2019-12-31. Review status: criteria provided, single submitter. Criteria: Invitae Variant Classification Sherloc (09022015). Collection method: clinical testing. Allele origin: germline.

Breakthrough Genomics
Classification: Benign. Review status: criteria provided, single submitter. Criteria: ACMG Guidelines, 2015. Collection method: not provided. Allele origin: germline. Inheritance: Unknown mechanism. Affected: yes.